The following is an entry in ClinVar:

NM_004994.3(MMP9):c.1759G>C (p.Val587Leu)

Genes: MMP9 (matrix metallopeptidase 9; plus strand), SLC12A5-AS1 (SLC12A5 and MMP9 antisense RNA 1; minus strand). Cytogenetic location: 20q13.12.
Variant type: single nucleotide variant.
Coding change: c.1759G>C on transcript NM_004994.3 (MANE Select); coding-DNA position 1759, G replaced by C.
Protein change: p.Val587Leu; replaces valine 587 with leucine.
Molecular consequence: missense variant. On other transcripts: non-coding transcript variant (1).
Genome position (GRCh38, 1-based): chr20:46,014,132, G>C. VCF-style: chr20-46014132-G-C. GRCh37 (hg19) VCF-style: chr20-44642771-G-C.
Other names: short protein forms V587L.
Identifiers: ClinVar variation 2755651 (VCV002755651.3), dbSNP rs1163615651, ClinGen allele CA409224051.

ClinVar aggregate classification (germline): Uncertain significance (1 of 4 stars; one submission).

Allele frequency attached by ClinVar (database versions not stated): TOPMed below 0.00001.

Submission:

Labcorp Genetics (formerly Invitae), Labcorp
Classification: Uncertain significance. Last evaluated: 2023-09-10. Review status: criteria provided, single submitter. Criteria: Invitae Variant Classification Sherloc (09022015). Collection method: clinical testing. Allele origin: germline.
Comment: This sequence change replaces valine, which is neutral and non-polar, with leucine, which is neutral and non-polar, at codon 587 of the MMP9 protein (p.Val587Leu). This variant is present in population databases (no rsID available, gnomAD 0.01%). This variant has not been reported in the literature in individuals affected with MMP9-related conditions. Advanced modeling of protein sequence and biophysical properties (such as structural, functional, and spatial information, amino acid conservation, physicochemical variation, residue mobility, and thermodynamic stability) performed at Invitae indicates that this missense variant is not expected to disrupt MMP9 protein function. In summary, the available evidence is currently insufficient to determine the role of this variant in disease. Therefore, it has been classified as a Variant of Uncertain Significance.